The following is an entry in ClinVar:

ClinVar aggregate classification (germline): Uncertain significance. Review status: criteria provided, single submitter (1 of 4 stars). 2 submissions from 2 submitters: Uncertain significance (1). 1 of the submissions does not count toward it. Last evaluated 2021-06-14.

Conditions:
Intellectual developmental disorder, autosomal dominant 52. Also called: Mental retardation, autosomal dominant 52; Intellectual disability, autosomal dominant 52. Identifiers: MedGen C4540478, MONDO:0030918, OMIM 617796.

gnomAD v4.1: 1 of 1,614,122 alleles (0.000062%); highest among the groups gnomAD compares: Non-Finnish European, 0.000085%; no homozygotes.

Submissions (2):

GeneDx
Classification: Uncertain significance. Last evaluated: 2021-06-14. Review status: criteria provided, single submitter. Criteria: GeneDx Variant Classification Process June 2021. Collection method: clinical testing. Allele origin: germline. Affected: yes.
Comment: Has not been previously published as pathogenic or benign to our knowledge; In silico analysis supports that this missense variant does not alter protein structure/function; Not observed in large population cohorts (Lek et al., 2016); This variant is associated with the following publications: (PMID: 27535533)

Clinical Genetics Laboratory, University Hospital Schleswig-Holstein
Classification: Uncertain significance for Intellectual developmental disorder, autosomal dominant 52. Last evaluated: 2021-10-22. Review status: no assertion criteria provided. Collection method: clinical testing. Allele origin: germline. Affected: yes. Not counted in ClinVar's aggregate classification.

NM_018489.3(ASH1L):c.3400C>T (p.Pro1134Ser)

Gene: ASH1L (ASH1 like histone lysine methyltransferase; minus strand). Cytogenetic location: 1q22.
Variant type: single nucleotide variant.
Coding change: c.3400C>T on transcript NM_018489.3 (MANE Select); coding-DNA position 3400, C replaced by T.
Protein change: p.Pro1134Ser; replaces proline 1134 with serine.
Molecular consequence: missense variant.
Genome position (GRCh38, 1-based): chr1:155,479,470, G>A on the plus strand (C>T on the coding strand, the complement: ASH1L is on the minus strand). VCF-style: chr1-155479470-G-A. GRCh37 (hg19) VCF-style: chr1-155449261-G-A.
Other names: c.3400C>T, p.Pro1134Ser (NM_001366177.2); short protein forms P1134S.
Identifiers: ClinVar variation 1207168 (VCV001207168.5), dbSNP rs2148723626, ClinGen allele CA342711666.